The following is an entry in ClinVar:

NM_004006.3(DMD):c.690G>T (p.Met230Ile)

Gene: DMD (dystrophin; minus strand). Cytogenetic location: Xp21.1.
Variant type: single nucleotide variant.
Coding change: c.690G>T on transcript NM_004006.3 (MANE Select); coding-DNA position 690, G replaced by T.
Protein change: p.Met230Ile; replaces methionine 230 with isoleucine.
Molecular consequence: missense variant.
Genome position (GRCh38, 1-based): chrX:32,699,253, C>A on the plus strand (G>T on the coding strand, the complement: DMD is on the minus strand). VCF-style: chrX-32699253-C-A. GRCh37 (hg19) VCF-style: chrX-32717370-C-A.
Other names: c.666G>T, p.Met222Ile (NM_000109.4); c.678G>T, p.Met226Ile (NM_004009.3); c.321G>T, p.Met107Ile (NM_004010.3); short protein forms M107I, M222I, M226I, M230I.
Identifiers: ClinVar variation 1312021 (VCV001312021.2), dbSNP rs2147606511, ClinGen allele CA412669095.

ClinVar aggregate classification (germline): Uncertain significance (1 of 4 stars; one submission).

Submission:

GeneDx
Classification: Uncertain significance. Last evaluated: 2020-01-14. Review status: criteria provided, single submitter. Criteria: GeneDx Variant Classification Process June 2021. Collection method: clinical testing. Allele origin: germline. Affected: yes.
Comment: Not observed in large population cohorts (Lek et al., 2016); In silico analysis, which includes protein predictors and evolutionary conservation, supports a deleterious effect; Missense variant in a gene in which most reported pathogenic variants are truncating/loss-of-function; Has not been previously published as pathogenic or benign to our knowledge